The following is an entry in ClinVar:

NM_000292.3(PHKA2):c.721A>C (p.Ile241Leu)

Gene: PHKA2 (phosphorylase kinase regulatory subunit alpha 2; minus strand). Cytogenetic location: Xp22.13.
Variant type: single nucleotide variant.
Coding change: c.721A>C on transcript NM_000292.3 (MANE Select); coding-DNA position 721, A replaced by C.
Protein change: p.Ile241Leu; replaces isoleucine 241 with leucine.
Molecular consequence: missense variant.
Genome position (GRCh38, 1-based): chrX:18,941,672, T>G on the plus strand (A>C on the coding strand, the complement: PHKA2 is on the minus strand). VCF-style: chrX-18941672-T-G. GRCh37 (hg19) VCF-style: chrX-18959790-T-G.
Other names: short protein forms I241L.
Identifiers: ClinVar variation 1709404 (VCV001709404.2), dbSNP rs367696431, ClinGen allele CA412398277.
Genomic context (GRCh38, chrX:18,941,672, plus strand): 5'-AAAGAAGTCCAGCATCAATTTCTTTAGATGTCGACGCTCTTGGCAGCATGGAGAACAGAA[T>G]AGACTGAATGAAAAACAAAGAGGTGGTTTAACCTGGAGATGCGCTAATAGGCGCAGTATC-3'
Protein context (NP_000283.1, residues 231-251): LPDEVEHCQS[Ile241Leu]LFSMLPRAST

ClinVar aggregate classification (germline): Uncertain significance (1 of 4 stars; one submission).

Conditions:
Glycogen storage disease IXa1. Also called: LIVER GLYCOGENOSIS, X-LINKED, TYPE I; GLYCOGEN STORAGE DISEASE VIII; GSD VIII; Glycogen storage disease 8. Identifiers: Orphanet 264580, MedGen C3694531, MONDO:0010598, OMIM 306000.

gnomAD v4.1: 4 of 1,163,136 alleles (0.00034%); highest among the groups gnomAD compares: Non-Finnish European, 0.00047%; no homozygotes.

Submission:

MGZ Medical Genetics Center
Classification: Uncertain significance for Glycogen storage disease IXa1. Last evaluated: 2022-05-25. Review status: criteria provided, single submitter. Criteria: ACMG Guidelines, 2015. Collection method: clinical testing. Allele origin: germline. Affected: yes. Observed: 1 variant allele.
Comment: ACMG criteria applied: PM2_SUP, PP2, PP3